The following is an entry in ClinVar:

ClinVar aggregate classification (germline): Conflicting classifications of pathogenicity. Review status: criteria provided, conflicting classifications (1 of 4 stars). 6 submissions from 6 submitters: Likely pathogenic (3); Uncertain significance (3). Last evaluated 2026-04-09.

Conditions:
Alport syndrome. Also called: Hemorrhagic familial nephritis; Hemorrhagic hereditary nephritis; Congenital hereditary hematuria. Identifiers: Orphanet 63, MedGen C1567741, MONDO:0018965.
Autosomal dominant Alport syndrome (ATS3A). Also called: ALPORT SYNDROME 3A, AUTOSOMAL DOMINANT; Alport syndrome dominant type; Renal failure and sensorineural hearing loss. Identifiers: Orphanet 63, Orphanet 88918, MedGen C5882663, MONDO:0007086, OMIM 104200.
Hematuria, benign familial, 2 (BFH2). Identifiers: MedGen C5830421, MONDO:0958186, OMIM 620320.
Alport syndrome 3b, autosomal recessive. Identifiers: MedGen C5882699, MONDO:0957811, OMIM 620536.
Autosomal recessive Alport syndrome (ATS2). Also called: Alport syndrome type 2; COL4A3-Related Nephropathy; ALPORT SYNDROME 2, AUTOSOMAL RECESSIVE; COL4A4 Alport Syndrome and Thin Basement Membrane Nephropathy. Identifiers: Orphanet 63, Orphanet 88919, MedGen C4746745, MONDO:0008762, OMIM 203780.
Benign familial hematuria. Also called: thin basement membrane disease. Identifiers: MedGen C0241908, MONDO:0957317.

Submissions (6):

Myriad Genetics, Inc.
Classification: Uncertain significance for Alport syndrome. Last evaluated: 2026-04-09. Review status: criteria provided, single submitter. Criteria: Myriad Autosomal Dominant, Autosomal Recessive and X-Linked Classification Criteria (2023). Collection method: clinical testing. Allele origin: unknown.
Comment: NM_000091.4(COL4A3):c.1594G>A(G532S) is a missense variant classified as a variant of uncertain significance in the context of Alport syndrome, COL4A3-related. G532S has not been observed in cases with relevant disease. Relevant functional assessments of this variant are not available in the literature. Internal structural analysis of the variant is supportive of pathogenicity. G532S has been observed in referenced population frequency databases. In summary, there is insufficient evidence to classify NM_000091.4(COL4A3):c.1594G>A(G532S) as pathogenic or benign. Please note: this variant was assessed in the context of healthy population screening.

Labcorp Genetics (formerly Invitae), Labcorp
Classification: Likely pathogenic. Last evaluated: 2025-12-17. Review status: criteria provided, single submitter. Criteria: Invitae Variant Classification Sherloc (09022015). Collection method: clinical testing. Allele origin: germline.
Comment: This sequence change replaces glycine, which is neutral and non-polar, with serine, which is neutral and polar, at codon 532 of the COL4A3 protein (p.Gly532Ser). This variant is present in population databases (rs779575469, gnomAD 0.01%). This variant has not been reported in the literature in individuals affected with COL4A3-related conditions. ClinVar contains an entry for this variant (Variation ID: 1501517). Invitae Evidence Modeling of protein sequence and biophysical properties (such as structural, functional, and spatial information, amino acid conservation, physicochemical variation, residue mobility, and thermodynamic stability) has been performed for this missense variant. However, the output from this modeling did not meet the statistical confidence thresholds required to predict the impact of this variant on COL4A3 protein function. This variant disrupts the p.Gly532 amino acid residue in COL4A3. Other variant(s) that disrupt this residue have been determined to be pathogenic (PMID: 14871398, 26809805, 31387071). This suggests that this residue is clinically significant, and that variants that disrupt this residue are likely to be disease-causing. In summary, the currently available evidence indicates that the variant is pathogenic, but additional data are needed to prove that conclusively. Therefore, this variant has been classified as Likely Pathogenic.

Women's Health and Genetics/Laboratory Corporation of America, LabCorp
Classification: Uncertain significance. Last evaluated: 2024-07-18. Review status: criteria provided, single submitter. Criteria: LabCorp Variant Classification Summary - May 2015. Collection method: clinical testing. Allele origin: germline.
Comment: Variant summary: COL4A3 c.1594G>A (p.Gly532Ser) results in a non-conservative amino acid change in the encoded protein sequence. Five of five in-silico tools predict a damaging effect of the variant on protein function. The variant allele was found at a frequency of 8e-06 in 249502 control chromosomes. The available data on variant occurrences in the general population are insufficient to allow any conclusion about variant significance. To our knowledge, no occurrence of c.1594G>A in individuals affected with Alport Syndrome, Autosomal Recessive and no experimental evidence demonstrating its impact on protein function have been reported. ClinVar contains an entry for this variant (Variation ID: 1501517). Based on the evidence outlined above, the variant was classified as uncertain significance.

Natera, Inc.
Classification: Likely pathogenic for Alport syndrome. Last evaluated: 2024-04-15. Review status: criteria provided, single submitter. Criteria: Natera Variant Classification Schema (03/2026). Collection method: clinical testing. Allele origin: germline.
Comment: The c.1594G>A variant in COL4A3 is a missense variant predicted to cause substitution of glycine to serine at amino acid 532. This variant is rare in the general population with a frequency below the threshold expected for the associated phenotype(s). This variant is located in a functionally critical region of the protein. A different variant at the same position has been determined to be Pathogenic or Likely Pathogenic. Computational prediction algorithms indicate this variant is likely to affect gene or protein function. Given the available evidence, this variant is classified as Likely Pathogenic.

Department of Pathology and Laboratory Medicine, Sinai Health System
Classification: Uncertain significance for Autosomal dominant Alport syndrome; Hematuria, benign familial, 2; Alport syndrome 3b, autosomal recessive. Last evaluated: 2023-10-26. Review status: criteria provided, single submitter. Criteria: ACMG Guidelines, 2015. Collection method: research. Allele origin: germline.

Fulgent Genetics
Classification: Likely pathogenic for Autosomal dominant Alport syndrome; Hematuria, benign familial, 1; Autosomal recessive Alport syndrome. Last evaluated: 2021-10-02. Review status: criteria provided, single submitter. Criteria: ACMG Guidelines, 2015. Collection method: clinical testing. Allele origin: unknown.

Literature cited by the submitters: PubMed 14871398 (cited by Labcorp Genetics (formerly Invitae), Labcorp); PubMed 26809805 (cited by Labcorp Genetics (formerly Invitae), Labcorp); PubMed 31387071 (cited by Labcorp Genetics (formerly Invitae), Labcorp).

NM_000091.5(COL4A3):c.1594G>A (p.Gly532Ser)

Genes: COL4A3 (collagen type IV alpha 3 chain; plus strand), MFF-DT (MFF divergent transcript; minus strand). Cytogenetic location: 2q36.3.
Variant type: single nucleotide variant.
Coding change: c.1594G>A on transcript NM_000091.5 (MANE Select); coding-DNA position 1594, G replaced by A.
Protein change: p.Gly532Ser; replaces glycine 532 with serine.
Molecular consequence: missense variant.
Genome position (GRCh38, 1-based): chr2:227,270,788, G>A. VCF-style: chr2-227270788-G-A. GRCh37 (hg19) VCF-style: chr2-228135504-G-A.
Other names: c.1594G>A (NM_000091.4); short protein forms G532S.
Identifiers: ClinVar variation 1501517 (VCV001501517.11), dbSNP rs779575469, ClinGen allele CA2146723.